The following is an entry in ClinVar:

ClinVar aggregate classification (germline): Uncertain significance (1 of 4 stars; one submission).

Conditions:
Gingival disorder. Also called: Gingival disease. Identifiers: MedGen C0017563, MONDO:0002021.

Allele frequency attached by ClinVar (database versions not stated): gnomAD 0.00001; TOPMed 0.00001; gnomAD exomes 0.00002 and 0.00005; ExAC 0.00005; 1000 Genomes Project 30x 0.00016; 1000 Genomes Project 0.00020.
gnomAD v4.1: 30 of 1,614,118 alleles (0.0019%); highest among the groups gnomAD compares: South Asian, 0.022%; no homozygotes.

Submission:

Labcorp Genetics (formerly Invitae), Labcorp
Classification: Uncertain significance for Gingival disorder. Last evaluated: 2025-02-27. Review status: criteria provided, single submitter. Criteria: Invitae Variant Classification Sherloc (09022015). Collection method: clinical testing. Allele origin: germline.
Comment: This sequence change replaces aspartic acid, which is acidic and polar, with asparagine, which is neutral and polar, at codon 186 of the FPR1 protein (p.Asp186Asn). This variant is present in population databases (rs571987775, gnomAD 0.03%). This variant has not been reported in the literature in individuals affected with FPR1-related conditions. ClinVar contains an entry for this variant (Variation ID: 1396354). An algorithm developed to predict the effect of missense changes on protein structure and function outputs the following: PolyPhen-2: "Benign". The asparagine amino acid residue is found in multiple mammalian species, which suggests that this missense change does not adversely affect protein function. In summary, the available evidence is currently insufficient to determine the role of this variant in disease. Therefore, it has been classified as a Variant of Uncertain Significance.

NM_002029.4(FPR1):c.556G>A (p.Asp186Asn)

Gene: FPR1 (formyl peptide receptor 1; minus strand). Cytogenetic location: 19q13.41.
Variant type: single nucleotide variant.
Coding change: c.556G>A on transcript NM_002029.4 (MANE Select); coding-DNA position 556, G replaced by A.
Protein change: p.Asp186Asn; replaces aspartic acid 186 with asparagine.
Molecular consequence: missense variant.
Genome position (GRCh38, 1-based): chr19:51,746,439, C>T on the plus strand (G>A on the coding strand, the complement: FPR1 is on the minus strand). VCF-style: chr19-51746439-C-T. GRCh37 (hg19) VCF-style: chr19-52249692-C-T.
Other names: c.556G>A, p.Asp186Asn (NM_001193306.2); short protein forms D186N.
Identifiers: ClinVar variation 1396354 (VCV001396354.8), dbSNP rs571987775, ClinGen allele CA9616436.